The following is an entry in ClinVar:

ClinVar aggregate classification (germline): Benign/Likely benign. Review status: criteria provided, multiple submitters, no conflicts (2 of 4 stars). 2 submissions from 2 submitters: Benign (1); Likely benign (1). Last evaluated 2024-10-23.

Conditions:
Hereditary cancer-predisposing syndrome. Also called: Neoplastic Syndromes, Hereditary; Tumor predisposition; Hereditary neoplastic syndrome; Hereditary Cancer Syndrome. Identifiers: Orphanet 140162, MedGen C0027672, MeSH D009386, MONDO:0015356.
Birt-Hogg-Dube syndrome 1 (BHD1). Also called: FIBROFOLLICULOMAS WITH TRICHODISCOMAS AND ACROCHORDONS. Identifiers: Orphanet 122, MedGen CN375946, MONDO:0800445, OMIM 135150.

Allele frequency attached by ClinVar (database versions not stated): gnomAD 0.00001.
gnomAD v4.1: 2 of 1,613,750 alleles (0.00012%); highest among the groups gnomAD compares: African/African-American, 0.0027%; no homozygotes.

Submissions (2):

Myriad Genetics, Inc.
Classification: Benign for Birt-Hogg-Dube syndrome 1. Last evaluated: 2024-10-23. Review status: criteria provided, single submitter. Criteria: Myriad Autosomal Dominant, Autosomal Recessive and X-Linked Classification Criteria (2023). Collection method: clinical testing. Allele origin: unknown.
Comment: This variant is considered benign. This variant is a silent/synonymous amino acid change and it is not expected to impact splicing.

Ambry Genetics
Classification: Likely benign for Hereditary cancer-predisposing syndrome. Last evaluated: 2023-12-31. Review status: criteria provided, single submitter. Criteria: Ambry Variant Classification Scheme 2023. Collection method: clinical testing. Allele origin: germline.

NM_144997.7(FLCN):c.1032A>G (p.Pro344=)

Gene: FLCN (folliculin; minus strand). Cytogenetic location: 17p11.2.
Variant type: single nucleotide variant.
Coding change: c.1032A>G on transcript NM_144997.7 (MANE Select); coding-DNA position 1032, A replaced by G.
Protein change: p.Pro344=; no amino-acid change (proline 344 retained).
Molecular consequence: synonymous variant.
Genome position (GRCh38, 1-based): chr17:17,219,049, T>C on the plus strand (A>G on the coding strand, the complement: FLCN is on the minus strand). VCF-style: chr17-17219049-T-C. GRCh37 (hg19) VCF-style: chr17-17122363-T-C.
Other names: c.1086A>G, p.Pro362= (NM_001353229.2); c.1032A>G, p.Pro344= (NM_001353230.2, NM_001353231.2).
Identifiers: ClinVar variation 3229222 (VCV003229222.2), dbSNP rs1024543826, ClinGen allele CA498163511.